The following is an entry in ClinVar:

NM_182916.3(TRNT1):c.368C>G (p.Thr123Ser)

Gene: TRNT1 (tRNA nucleotidyl transferase 1; plus strand). Cytogenetic location: 3p26.2.
Variant type: single nucleotide variant.
Coding change: c.368C>G on transcript NM_182916.3 (MANE Select); coding-DNA position 368, C replaced by G.
Protein change: p.Thr123Ser; replaces threonine 123 with serine.
Molecular consequence: missense variant. On other transcripts: non-coding transcript variant (6).
Genome position (GRCh38, 1-based): chr3:3,140,535, C>G. VCF-style: chr3-3140535-C-G. GRCh37 (hg19) VCF-style: chr3-3182219-C-G.
Other names: c.368C>G, p.Thr123Ser (LRG_1314t1, NM_001302946.2, NM_001367321.1 and 2 more transcripts); short protein forms T123S.
Identifiers: ClinVar variation 644652 (VCV000644652.4), dbSNP rs1278148249, ClinGen allele CA351443846.

ClinVar aggregate classification (germline): Uncertain significance (1 of 4 stars; one submission).

Conditions:
Congenital sideroblastic anemia-B-cell immunodeficiency-periodic fever-developmental delay syndrome. Also called: Sideroblastic anemia with B-cell immunodeficiency, periodic fevers, and developmental delay. Identifiers: Orphanet 369861, MedGen C4015172, MONDO:0014487, OMIM 616084.

Submission:

Labcorp Genetics (formerly Invitae), Labcorp
Classification: Uncertain significance for Congenital sideroblastic anemia-B-cell immunodeficiency-periodic fever-developmental delay syndrome. Last evaluated: 2018-10-17. Review status: criteria provided, single submitter. Criteria: Invitae Variant Classification Sherloc (09022015). Collection method: clinical testing. Allele origin: germline.
Comment: This sequence change replaces threonine with serine at codon 123 of the TRNT1 protein (p.Thr123Ser). The threonine residue is highly conserved and there is a small physicochemical difference between threonine and serine. In summary, the available evidence is currently insufficient to determine the role of this variant in disease. Therefore, it has been classified as a Variant of Uncertain Significance. Algorithms developed to predict the effect of missense changes on protein structure and function are either unavailable or do not agree on the potential impact of this missense change (SIFT: "Tolerated"; PolyPhen-2: "Probably Damaging"; Align-GVGD: "Class C0"). This variant has not been reported in the literature in individuals with TRNT1-related disease. This variant is not present in population databases (ExAC no frequency).